The following is an entry in ClinVar:

NM_006231.4(POLE):c.5216T>C (p.Ile1739Thr)

Gene: POLE (DNA polymerase epsilon, catalytic subunit; minus strand). Cytogenetic location: 12q24.33.
Variant type: single nucleotide variant.
Coding change: c.5216T>C on transcript NM_006231.4 (MANE Select); coding-DNA position 5216, T replaced by C.
Protein change: p.Ile1739Thr; replaces isoleucine 1739 with threonine.
Molecular consequence: missense variant.
Genome position (GRCh38, 1-based): chr12:132,641,809, A>G on the plus strand (T>C on the coding strand, the complement: POLE is on the minus strand). VCF-style: chr12-132641809-A-G. GRCh37 (hg19) VCF-style: chr12-133218395-A-G.
Other names: short protein forms I1739T.
Identifiers: ClinVar variation 1346281 (VCV001346281.8), dbSNP rs2042150542, ClinGen allele CA387376415.

ClinVar aggregate classification (germline): Uncertain significance (1 of 4 stars; one submission).

Allele frequency attached by ClinVar (database versions not stated): gnomAD 0.00001; TOPMed below 0.00001.
gnomAD v4.1: 1 of 1,603,826 alleles (0.000062%); highest among the groups gnomAD compares: Non-Finnish European, 0.000085%; no homozygotes.

Submission:

Labcorp Genetics (formerly Invitae), Labcorp
Classification: Uncertain significance. Last evaluated: 2024-01-27. Review status: criteria provided, single submitter. Criteria: Invitae Variant Classification Sherloc (09022015). Collection method: clinical testing. Allele origin: germline.
Comment: This sequence change replaces isoleucine, which is neutral and non-polar, with threonine, which is neutral and polar, at codon 1739 of the POLE protein (p.Ile1739Thr). This variant is not present in population databases (gnomAD no frequency). This variant has not been reported in the literature in individuals affected with POLE-related conditions. ClinVar contains an entry for this variant (Variation ID: 1346281). Advanced modeling of protein sequence and biophysical properties (such as structural, functional, and spatial information, amino acid conservation, physicochemical variation, residue mobility, and thermodynamic stability) performed at Invitae indicates that this missense variant is not expected to disrupt POLE protein function with a negative predictive value of 80%. In summary, the available evidence is currently insufficient to determine the role of this variant in disease. Therefore, it has been classified as a Variant of Uncertain Significance.